The following is an entry in ClinVar:

NM_001130987.2(DYSF):c.1167del (p.Ser390fs)

Gene: DYSF (dysferlin; plus strand). Cytogenetic location: 2p13.2.
Variant type: Deletion.
Coding change: c.1167del on transcript NM_001130987.2 (MANE Select); coding-DNA position 1167, one base deleted (C; older notation c.1167delC).
Protein change: p.Ser390fs; shifts the reading frame from serine 390.
Molecular consequence: frameshift variant.
Genome position (GRCh38, 1-based): chr2:71,526,237, C deleted; the last of 4 consecutive C bases (chr2:71,526,234-71,526,237); deleting any one gives the same sequence. VCF-style (leftmost placement, unchanged base first): chr2-71526233-AC-A. GRCh37 (hg19) VCF-style: chr2-71753363-AC-A.
Other names: NM_001130987.2(DYSF):c.1167del; p.Ser390fs; c.1074del, p.Ser359fs (NM_001130455.2, NM_001130983.2, NM_001130984.2 and 1 more transcripts); c.1071del, p.Ser358fs (NM_001130976.2, NM_001130977.2, NM_001130978.2 and 1 more transcripts); c.1164del, p.Ser389fs (NM_001130979.2, NM_001130980.2, NM_001130981.2); c.1167del, p.Ser390fs (NM_001130982.2, NM_001130985.2); short protein forms S390fs, S358fs, S359fs, S389fs.
Identifiers: ClinVar variation 290141 (VCV000290141.5), dbSNP rs886044355, ClinGen allele CA10606659.

ClinVar aggregate classification (germline): Pathogenic. Review status: reviewed by expert panel (3 of 4 stars). 2 submissions from 2 submitters: Pathogenic (1). 1 of the submissions does not count toward it. Last evaluated 2025-10-06.

Conditions:
Autosomal recessive limb-girdle muscular dystrophy. Identifiers: Orphanet 102015, MedGen C2931907, MONDO:0015152.

Submissions (2):

ClinGen Limb Girdle Muscular Dystrophy Variant Curation Expert Panel, ClinGen
Classification: Pathogenic for Autosomal recessive limb-girdle muscular dystrophy. Last evaluated: 2025-10-06. Review status: reviewed by expert panel. Criteria: ClinGen LGMD VCEP ACMG Specifications DYSF V2.0.0. Collection method: curation. Allele origin: germline. Inheritance: Autosomal recessive inheritance.
Comment: The NM_003494.4: c.1071del p.(Ser358LeufsTer17) variant in DYSF, which is also known as NM_001130987.2: c.1167del (p.Ser390LeufsTer17), is a frameshift variant predicted to cause a premature stop codon in biologically relevant exon 12/55, leading to nonsense mediated decay in a gene in which loss of function is an established disease mechanism (PVS1). This variant has been reported in one individual with a pathogenic variant in unknown phase (NM_003494.4: c.5698_5699del p.(Ser1900GlnfsTer14), 0.5 pts, PMID: 36983702) (PM3_Supporting). This patient displayed progressive muscle weakness and disease range dysferlin expression in blood monocytes, which is highly specific for DYSF-related LGMD (PP4_Strong). This variant is absent from gnomAD v.4.1.0 (PM2_Supporting). In summary, this variant meets the criteria to be classified as Pathogenic for autosomal recessive limb girdle muscular dystrophy based on the ACMG/AMP criteria applied, as specified by the ClinGen LGMD VCEP (LGMD VCEP specifications version 2.0.0; 10/06/2025): PVS1, PM3_Supporting, PP4_Strong, PM2_Supporting.

Eurofins Ntd Llc (ga)
Classification: Pathogenic. Last evaluated: 2016-08-08. Review status: criteria provided, single submitter. Criteria: EGL Classification Definitions 2015. Collection method: clinical testing. Allele origin: germline. Observed: 1 variant allele, 1 heterozygote. Not counted in ClinVar's aggregate classification.